The following is an entry in ClinVar:

ClinVar aggregate classification (germline): Uncertain significance (1 of 4 stars; one submission).

Submission:

Labcorp Genetics (formerly Invitae), Labcorp
Classification: Uncertain significance. Last evaluated: 2022-11-06. Review status: criteria provided, single submitter. Criteria: Invitae Variant Classification Sherloc (09022015). Collection method: clinical testing. Allele origin: germline.
Comment: In summary, the available evidence is currently insufficient to determine the role of this variant in disease. Therefore, it has been classified as a Variant of Uncertain Significance. Advanced modeling of protein sequence and biophysical properties (such as structural, functional, and spatial information, amino acid conservation, physicochemical variation, residue mobility, and thermodynamic stability) performed at Invitae indicates that this missense variant is expected to disrupt ABCA12 protein function. This variant has not been reported in the literature in individuals affected with ABCA12-related conditions. This variant is not present in population databases (gnomAD no frequency). This sequence change replaces histidine, which is basic and polar, with tyrosine, which is neutral and polar, at codon 1535 of the ABCA12 protein (p.His1535Tyr).

NM_173076.3(ABCA12):c.4603C>T (p.His1535Tyr)

Gene: ABCA12 (ATP binding cassette subfamily A member 12; minus strand). Cytogenetic location: 2q35.
Variant type: single nucleotide variant.
Coding change: c.4603C>T on transcript NM_173076.3 (MANE Select); coding-DNA position 4603, C replaced by T.
Protein change: p.His1535Tyr; replaces histidine 1535 with tyrosine.
Molecular consequence: missense variant. On other transcripts: non-coding transcript variant (1).
Genome position (GRCh38, 1-based): chr2:214,980,620, G>A on the plus strand (C>T on the coding strand, the complement: ABCA12 is on the minus strand). VCF-style: chr2-214980620-G-A. GRCh37 (hg19) VCF-style: chr2-215845344-G-A.
Other names: c.3649C>T, p.His1217Tyr (NM_015657.4); short protein forms H1535Y, H1217Y.
Identifiers: ClinVar variation 2812356 (VCV002812356.3), dbSNP rs2469228331, ClinGen allele CA350461216.
Genomic context (GRCh38, chr2:214,980,620, plus strand): 5'-GCCCACCCTGCTCCAGGAAGGCGATGCGGTCACTCAGCACTTCAGCCTCGTCCAAGTGGT[G>A]CGTTGACAGAATGATTGTTCTGGCTTGAAAATACAGACAAGAACAACAGGGAATGAAACG-3'
Protein context (NP_775099.2, residues 1525-1545): KTARTIILST[His1535Tyr]HLDEAEVLSD